The following is an entry in ClinVar:

NM_004415.4(DSP):c.8496ATCTCGCTCCGG[3] (p.2827SGSR[6])

Gene: DSP (desmoplakin; plus strand). Cytogenetic location: 6p24.3.
Variant type: Microsatellite.
Coding change: c.8496ATCTCGCTCCGG[3] on transcript NM_004415.4 (MANE Select); three copies in a row of the 12-base unit ATCTCGCTCCGG starting at c.8496; the reference has two copies in a row; one copy, 12 bases duplicated; also written c.8508_8519dup.
Protein change: p.2827SGSR[6].
Molecular consequence: inframe insertion.
Genome position (GRCh38, 1-based): chr6:7,585,770-7,585,781, ATCTCGCTCCGG duplicated; duplicating any 12 consecutive bases within chr6:7,585,756-7,585,781 gives the same sequence; the position shown is the placement nearest the transcript's 3' end. VCF-style (leftmost placement, unchanged base first): chr6-7585755-G-GGGATCTCGCTCC. GRCh37 (hg19) VCF-style: chr6-7585988-G-GGGATCTCGCTCC.
Other names: c.8508_8519dupATCTCGCTCCGG (NM_004415.2); c.6699ATCTCGCTCCGG[3], p.2228SGSR[6] (NM_001008844.3); c.7167ATCTCGCTCCGG[3], p.2384SGSR[6] (NM_001319034.2); c.8508_8519dup (NM_004415.4); c.8508_8519dup12 (NM_004415.3).
Identifiers: ClinVar variation 848944 (VCV000848944.21), dbSNP rs397516971, ClinGen allele CA3628104.
Genomic context (GRCh38, chr6:7,585,755, plus strand): 5'-GGGCTTACCCAGCCCTTACAACATGTCTTCGGCTCCGGGGTCCCGCTCCGGCTCCCGCTC[G>GGGATCTCGCTCC]GGATCTCGCTCCGGATCTCGCTCCGGGTCCCGCAGTGGGTCCCGGAGAGGAAGCTTTGAC-3'

ClinVar aggregate classification (germline): Uncertain significance. Review status: criteria provided, multiple submitters, no conflicts (2 of 4 stars). 7 submissions from 7 submitters: Uncertain significance (7). Last evaluated 2026-03-27.

Conditions:
Cardiovascular phenotype. Identifiers: MedGen CN230736.
Cardiomyopathy (CMYO). Also called: Cardiomyopathies. Identifiers: Orphanet 167848, MedGen C0878544, MONDO:0004994, HP:0001638. Inheritance: Various modes of inheritance.
DSP-related disorder. Also called: DSP-related disorders; DSP-related condition.
Arrhythmogenic cardiomyopathy with wooly hair and keratoderma. Also called: Carvajal syndrome; Dilated cardiomyopathy with woolly hair and keratoderma; PALMOPLANTAR KERATODERMA WITH LEFT VENTRICULAR CARDIOMYOPATHY AND WOOLLY HAIR; Arrhythmogenic cardiomyopathy with woolly hair and keratoderma. Identifiers: Orphanet 65282, MedGen C1854063, MONDO:0011581, OMIM 605676.
Arrhythmogenic right ventricular dysplasia 8 (ARVD8). Also called: Arrhythmogenic Right Ventricular Dysplasia/Cardiomyopathy 8; ARRHYTHMOGENIC RIGHT VENTRICULAR DYSPLASIA, FAMILIAL, 8; ARRHYTHMOGENIC RIGHT VENTRICULAR CARDIOMYOPATHY 8. Identifiers: MedGen C1843896, MONDO:0011831, OMIM 607450.

Submissions (7):

PreventionGenetics, part of Exact Sciences
Classification: Uncertain significance for DSP-related condition. Last evaluated: 2026-03-27. Review status: criteria provided, single submitter. Criteria: ACMG Guidelines, 2015. Collection method: clinical testing. Allele origin: germline.
Comment: The DSP c.8508_8519dup12 variant is predicted to result in an in-frame duplication (p.Ser2843_Arg2846dup). This variant was previously reported in an individual with sudden cardiac arrest (Cohen et al. 2021. PubMed ID: 33652119). However, this variant is reported in 0.089% of alleles in individuals of Ashkenazi Jewish descent in gnomAD, which may be too frequent to be a primary cause of disease. Although we suspect that this variant may be benign, at this time, the clinical significance of this variant is uncertain due to the absence of conclusive functional and genetic evidence.

Dasa
Classification: Uncertain significance. Last evaluated: 2025-08-11. Review status: criteria provided, single submitter. Criteria: DASA Assertion Criteria. Collection method: clinical testing. Allele origin: germline.
Comment: NM_004415.4(DSP):c.8508_8519dup (p.Ser2843_Arg2846dup) is an in-frame duplication predicted to duplicate amino acids from serine at protein position 2843 through arginine at protein position 2846 without shifting the reading frame. This variant is rare in population databases. The currently available literature and clinical evidence are not sufficient to establish a definitive association between this variant and the reported condition. Therefore, this variant is classified as a variant of uncertain significance.

Labcorp Genetics (formerly Invitae), Labcorp
Classification: Uncertain significance for Arrhythmogenic cardiomyopathy with wooly hair and keratoderma; Arrhythmogenic right ventricular dysplasia 8. Last evaluated: 2024-10-23. Review status: criteria provided, single submitter. Criteria: Invitae Variant Classification Sherloc (09022015). Collection method: clinical testing. Allele origin: germline.
Comment: This variant, c.8508_8519dup, results in the insertion of 4 amino acid(s) of the DSP protein (p.Ser2843_Arg2846dup), but otherwise preserves the integrity of the reading frame. This variant is present in population databases (rs773419695, gnomAD 0.09%). This variant has been observed in individual(s) with clinical features of DSP-related conditions (PMID: 33652119). ClinVar contains an entry for this variant (Variation ID: 848944). Experimental studies and prediction algorithms are not available or were not evaluated, and the functional significance of this variant is currently unknown. In summary, the available evidence is currently insufficient to determine the role of this variant in disease. Therefore, it has been classified as a Variant of Uncertain Significance.

GeneDx
Classification: Uncertain significance. Last evaluated: 2024-05-07. Review status: criteria provided, single submitter. Criteria: GeneDx Variant Classification Process June 2021. Collection method: clinical testing. Allele origin: germline. Affected: yes.
Comment: In-frame insertion of 4 amino acids in a non-repeat region; Has not been previously published as pathogenic or benign to our knowledge

Ambry Genetics
Classification: Uncertain significance for Cardiovascular phenotype. Last evaluated: 2024-04-17. Review status: criteria provided, single submitter. Criteria: Ambry Variant Classification Scheme 2023. Collection method: clinical testing. Allele origin: germline.
Comment: The c.8508_8519dup12 variant (also known as p.S2843_R2846dup), located in coding exon 24 of the DSP gene, results from an in-frame duplication of 12 nucleotides at nucleotide positions 8508 to 8519. This results in the duplication of 4 extra residues (SGSR) between codons 2843 and 2846. This amino acid region is highly conserved in available vertebrate species. In addition, this alteration is predicted to be inconclusive by in silico analysis (Choi Y et al. PLoS ONE. 2012; 7(10):e46688). Based on the available evidence, the clinical significance of this variant remains unclear.

Color Diagnostics, LLC DBA Color Health
Classification: Uncertain significance for Cardiomyopathy. Last evaluated: 2024-03-26. Review status: criteria provided, single submitter. Criteria: ACMG Guidelines, 2015. Collection method: clinical testing. Allele origin: germline.
Comment: This variant causes a duplication of 4-amino-acid motif (Ser-Gly-Ser-Arg) in the C-terminal region of the DSP protein that contains 5 consecutive repeats of the Ser-Gly-Ser-Arg motif. To our knowledge, functional studies have not been reported for this variant. This variant has been reported in a survivor of sudden cardiac arrest (PMID: 33652119). This variant has been identified in 16/278122 chromosomes in the general population by the Genome Aggregation Database (gnomAD). The available evidence is insufficient to determine the role of this variant in disease conclusively. Therefore, this variant is classified as a Variant of Uncertain Significance.

Genomic Medicine Center of Excellence, King Faisal Specialist Hospital and Research Centre
Classification: Uncertain significance for Arrhythmogenic cardiomyopathy with wooly hair and keratoderma. Last evaluated: 2024-03-26. Review status: criteria provided, single submitter. Criteria: ACMG Guidelines, 2015. Collection method: clinical testing. Allele origin: germline.

Literature cited by the submitters: PubMed 33652119 (cited by Labcorp Genetics (formerly Invitae), Labcorp and Color Diagnostics, LLC DBA Color Health).